The following is an entry in ClinVar:

NM_001042492.3(NF1):c.2802T>C (p.Phe934=)

Gene: NF1 (neurofibromin 1; plus strand). Cytogenetic location: 17q11.2.
Variant type: single nucleotide variant.
Coding change: c.2802T>C on transcript NM_001042492.3 (MANE Select); coding-DNA position 2802, T replaced by C.
Protein change: p.Phe934=; no amino-acid change (phenylalanine 934 retained).
Molecular consequence: synonymous variant.
Genome position (GRCh38, 1-based): chr17:31,229,417, T>C. VCF-style: chr17-31229417-T-C. GRCh37 (hg19) VCF-style: chr17-29556435-T-C.
Other names: c.2802T>C, p.Phe934= (NM_000267.4).
Identifiers: ClinVar variation 4535292 (VCV004535292.6).

ClinVar aggregate classification (germline): Likely benign (1 of 4 stars; one submission).

Submission:

CeGaT Center for Human Genetics Tuebingen
Classification: Likely benign. Last evaluated: 2025-11-01. Review status: criteria provided, single submitter. Criteria: CeGaT Center For Human Genetics Tuebingen Variant Classification Criteria Version 2. Collection method: clinical testing. Allele origin: germline. Affected: yes. Observed: 1 variant allele.
Comment: NF1: PM2:Supporting, BP4, BP7